The following is an entry in ClinVar:

NM_004415.4(DSP):c.8539A>C (p.Arg2847=)

Gene: DSP (desmoplakin; plus strand). Cytogenetic location: 6p24.3.
Variant type: single nucleotide variant.
Coding change: c.8539A>C on transcript NM_004415.4 (MANE Select); coding-DNA position 8539, A replaced by C.
Protein change: p.Arg2847=; no amino-acid change (arginine 2847 retained).
Molecular consequence: synonymous variant.
Genome position (GRCh38, 1-based): chr6:7,585,801, A>C. VCF-style: chr6-7585801-A-C. GRCh37 (hg19) VCF-style: chr6-7586034-A-C.
Other names: c.6742A>C, p.Arg2248= (NM_001008844.3); c.7210A>C, p.Arg2404= (NM_001319034.2).
Identifiers: ClinVar variation 925093 (VCV000925093.18), dbSNP rs113629968, ClinGen allele CA133978309.
Genomic context (GRCh38, chr6:7,585,801, plus strand): 5'-TCCGGCTCCCGCTCGGGATCTCGCTCCGGATCTCGCTCCGGGTCCCGCAGTGGGTCCCGG[A>C]GAGGAAGCTTTGACGCCACAGGGAATTCTTCCTACTCTTATTCCTACTCATTTAGCAGTA-3'
Protein context (NP_004406.2, residues 2837-2857): SRSGSRSGSR[Arg2847=]GSFDATGNSS

ClinVar aggregate classification (germline): Likely benign. Review status: criteria provided, multiple submitters, no conflicts (2 of 4 stars). 4 submissions from 4 submitters: Likely benign (4). Last evaluated 2026-06-01.

Conditions:
Cardiomyopathy (CMYO). Also called: Cardiomyopathies. Identifiers: Orphanet 167848, MedGen C0878544, MONDO:0004994, HP:0001638. Inheritance: Various modes of inheritance.
Arrhythmogenic cardiomyopathy with wooly hair and keratoderma. Also called: Arrhythmogenic cardiomyopathy with woolly hair and keratoderma; Carvajal syndrome; PALMOPLANTAR KERATODERMA WITH LEFT VENTRICULAR CARDIOMYOPATHY AND WOOLLY HAIR; Dilated cardiomyopathy with woolly hair and keratoderma. Identifiers: Orphanet 65282, MedGen C1854063, MONDO:0011581, OMIM 605676.
Arrhythmogenic right ventricular dysplasia 8 (ARVD8). Also called: Arrhythmogenic Right Ventricular Dysplasia/Cardiomyopathy 8; ARRHYTHMOGENIC RIGHT VENTRICULAR DYSPLASIA, FAMILIAL, 8; ARRHYTHMOGENIC RIGHT VENTRICULAR CARDIOMYOPATHY 8. Identifiers: MedGen C1843896, MONDO:0011831, OMIM 607450.
Cardiovascular phenotype. Identifiers: MedGen CN230736.

Allele frequency attached by ClinVar (database versions not stated): gnomAD exomes 0.00001; gnomAD 0.00003 and 0.00001; TOPMed 0.00004.
gnomAD v4.1: 40 of 1,610,956 alleles (0.0025%); highest among the groups gnomAD compares: African/African-American, 0.023%; no homozygotes.

Submissions (4):

CeGaT Center for Human Genetics Tuebingen
Classification: Likely benign. Last evaluated: 2026-06-01. Review status: criteria provided, single submitter. Criteria: CeGaT Center For Human Genetics Tuebingen Variant Classification Criteria Version 2. Collection method: clinical testing. Allele origin: germline. Affected: yes. Observed: 1 variant allele.
Comment: DSP: BP4, BP7

Labcorp Genetics (formerly Invitae), Labcorp
Classification: Likely benign for Arrhythmogenic cardiomyopathy with wooly hair and keratoderma; Arrhythmogenic right ventricular dysplasia 8. Last evaluated: 2025-11-27. Review status: criteria provided, single submitter. Criteria: Invitae Variant Classification Sherloc (09022015). Collection method: clinical testing. Allele origin: germline.

Color Diagnostics, LLC DBA Color Health
Classification: Likely benign for Cardiomyopathy. Last evaluated: 2022-10-19. Review status: criteria provided, single submitter. Criteria: ACMG Guidelines, 2015. Collection method: clinical testing. Allele origin: germline.

Ambry Genetics
Classification: Likely benign for Cardiovascular phenotype. Last evaluated: 2020-09-06. Review status: criteria provided, single submitter. Criteria: Ambry Variant Classification Scheme 2023. Collection method: clinical testing. Allele origin: germline.